The following is an entry in ClinVar:

NM_001104631.2(PDE4D):c.*2515A>T

Gene: PDE4D (phosphodiesterase 4D; minus strand). Cytogenetic location: 5q11.2.
Variant type: single nucleotide variant.
Coding change: c.*2515A>T on transcript NM_001104631.2 (MANE Select); 2515 bases downstream of the stop codon, A replaced by T.
Molecular consequence: 3 prime UTR variant.
Genome position (GRCh38, 1-based): chr5:58,972,149, T>A on the plus strand (A>T on the coding strand, the complement: PDE4D is on the minus strand). VCF-style: chr5-58972149-T-A. GRCh37 (hg19) VCF-style: chr5-58267976-T-A.
Other names: NC_000005.9:g.58267976T>A; c.*2515A>T (NM_001165899.2, NM_001197218.2, NM_001197219.2 and 11 more transcripts).
Identifiers: ClinVar variation 353941 (VCV000353941.7), dbSNP rs829259, ClinGen allele CA10625012.

ClinVar aggregate classification (germline): Benign. Review status: criteria provided, multiple submitters, no conflicts (2 of 4 stars). 2 submissions from 2 submitters: Benign (2). Last evaluated 2018-01-13.

Conditions:
Acrodysostosis 2 with or without hormone resistance. Also called: ACRODYSOSTOSIS 2 WITH HORMONE RESISTANCE; ACRODYSOSTOSIS 2 WITHOUT HORMONE RESISTANCE. Identifiers: Orphanet 280651, MedGen C3553250, MONDO:0013822, OMIM 614613.

Allele frequency attached by ClinVar (database versions not stated): gnomAD 0.58301 and 0.58459; 1000 Genomes Project 30x 0.58432; 1000 Genomes Project 0.58906; TOPMed 0.58994; gnomAD exomes 0.59434.
gnomAD v4.1: 89,245 of 152,374 alleles (59%); highest among the groups gnomAD compares: Middle Eastern, 70%; 26,301 homozygotes.

Submissions (3):

Illumina Laboratory Services, Illumina
Classification: Benign for Acrodysostosis 2 with or without hormone resistance. Last evaluated: 2018-01-13. Review status: criteria provided, single submitter. Criteria: ICSL Variant Classification Criteria 13 December 2019. Collection method: clinical testing. Allele origin: germline.
Comment: This variant was observed in the ICSL laboratory as part of a predisposition screen in an ostensibly healthy population. It had not been previously curated by ICSL or reported in the Human Gene Mutation Database (HGMD: prior to June 1st, 2018), and was therefore a candidate for classification through an automated scoring system. Utilizing variant allele frequency, disease prevalence and penetrance estimates, and inheritance mode, an automated score was calculated to assess if this variant is too frequent to cause the disease. Based on the score and internal cut-off values, a variant classified as benign is not then subjected to further curation. The score for this variant resulted in a classification of benign for this disease.

Breakthrough Genomics
Classification: Benign. Review status: criteria provided, single submitter. Criteria: ACMG Guidelines, 2015. Collection method: not provided. Allele origin: germline. Inheritance: Autosomal dominant inheritance. Affected: yes.

Dr. Peter K. Rogan Lab, Western University
No classification provided (evidence only). Condition: Gastric cancer. Review status: no classification provided. Collection method: in vitro. Allele origin: not applicable. Functional consequence: retained intron. Not counted in ClinVar's aggregate classification.